The following is an entry in ClinVar:

ClinVar aggregate classification (germline): Pathogenic. Review status: criteria provided, single submitter (1 of 4 stars). 2 submissions from 2 submitters: Pathogenic (1). 1 of the submissions does not count toward it. Last evaluated 2015-08-13.

Conditions:
RHIZOMELIC SKELETAL DYSPLASIA WITH PELGER-HUET ANOMALY.

gnomAD v4.1: 5 of 1,613,228 alleles (0.00031%); highest among the groups gnomAD compares: Non-Finnish European, 0.00042%; no homozygotes.

Submissions (2):

GeneDx
Classification: Pathogenic. Last evaluated: 2015-08-13. Review status: criteria provided, single submitter. Criteria: GeneDx Variant Classification (06012015). Collection method: clinical testing. Allele origin: germline. Affected: yes.
Comment: The R583L substitution in the LBR gene has not been reported previously as a pathogenic variant noras a benign polymorphism, to our knowledge. However, a different amino acid substitution at this residue(R583Q) has been reported in the compound heterozygous state in an individual with Greenberg dysplasia(Clayton et al., 2010). The R583L substitution was not observed in approximately 6,500 individuals ofEuropean and African American ancestry in the NHLBI Exome Sequencing Project, indicating it is not acommon benign variant in these populations. The R583L variant is a non-conservative amino acidsubstitution, which is likely to impact secondary protein structure as these residues differ in polarity,charge, size and/or other properties. This substitution occurs at a position that is conserved across species.In silico analysis predicts this variant is probably damaging to the protein structure/function. A missensevariant in a nearby residue (R586H) has been reported in the Human Gene Mutation Database inassociation with Pelger-Huet anomaly (Stenson et al., 2014), supporting the functional importance of thisregion of the protein. We interpret R583L as a pathogenic variant.

OMIM
Classification: Pathogenic for RHIZOMELIC SKELETAL DYSPLASIA WITH PELGER-HUET ANOMALY. Last evaluated: 2022-03-17. Review status: no assertion criteria provided. Collection method: literature only. Allele origin: germline. Not counted in ClinVar's aggregate classification.

Literature cited by the submitters: PubMed 30448303 (cited by OMIM).

NM_002296.4(LBR):c.1748G>T (p.Arg583Leu)

Gene: LBR (lamin B receptor; minus strand). Cytogenetic location: 1q42.12.
Variant type: single nucleotide variant.
Coding change: c.1748G>T on transcript NM_002296.4 (MANE Select); coding-DNA position 1748, G replaced by T.
Protein change: p.Arg583Leu; replaces arginine 583 with leucine.
Molecular consequence: missense variant.
Genome position (GRCh38, 1-based): chr1:225,403,403, C>A on the plus strand (G>T on the coding strand, the complement: LBR is on the minus strand). VCF-style: chr1-225403403-C-A. GRCh37 (hg19) VCF-style: chr1-225591105-C-A.
Other names: R58L; c.1748G>T, p.Arg583Leu (NM_194442.3); short protein forms R583L.
Identifiers: ClinVar variation 419545 (VCV000419545.4), dbSNP rs587777172, ClinGen allele CA1417041.
Genomic context (GRCh38, chr1:225,403,403, plus strand): 5'-CAGTACTTTTCCCAAGCCACGCCGTATTTCTTCTTACAGTGGTACTCGTCACGAGCTTCT[C>A]GGTGGACAAGCAACATGGTGAAATAAATTATGTAGAAATAAGGCAGAATGTGGTTAAAAC-3'
Protein context (NP_002287.2, residues 573-593): IIYFTMLLVH[Arg583Leu]EARDEYHCKK